The following is an entry in ClinVar:

NM_001042492.3(NF1):c.7444G>T (p.Asp2482Tyr)

Gene: NF1 (neurofibromin 1; plus strand). Cytogenetic location: 17q11.2.
Variant type: single nucleotide variant.
Coding change: c.7444G>T on transcript NM_001042492.3 (MANE Select); coding-DNA position 7444, G replaced by T.
Protein change: p.Asp2482Tyr; replaces aspartic acid 2482 with tyrosine.
Molecular consequence: missense variant.
Genome position (GRCh38, 1-based): chr17:31,350,305, G>T. VCF-style: chr17-31350305-G-T. GRCh37 (hg19) VCF-style: chr17-29677323-G-T.
Other names: c.7381G>T, p.Asp2461Tyr (NM_000267.4); short protein forms D2461Y, D2482Y.
Identifiers: ClinVar variation 1692350 (VCV001692350.1), dbSNP rs2151574641, ClinGen allele CA399017202.

ClinVar aggregate classification (germline): Uncertain significance (1 of 4 stars; one submission).

Conditions:
Hereditary cancer-predisposing syndrome. Also called: Hereditary Cancer Syndrome; Hereditary neoplastic syndrome; Neoplastic Syndromes, Hereditary; Tumor predisposition. Identifiers: Orphanet 140162, MedGen C0027672, MeSH D009386, MONDO:0015356.

Submission:

Sema4
Classification: Uncertain significance for Hereditary cancer-predisposing syndrome. Last evaluated: 2021-10-04. Review status: criteria provided, single submitter. Criteria: Sema4 Curation Guidelines. Collection method: curation. Allele origin: germline.
Comment: The NF1 c.7381G>T (p.D2461Y) variant has not been reported in the literature to our knowledge. It was not observed in the large and broad cohorts of the Genome Aggregation Database (. PMID: 32461654). The variant has not been reported in ClinVar. Functional studies have not been performed, and in silico predictions of the variant's effect on protein function are inconclusive. The evidence is insufficient to meet ACMG/AMP criteria for classifying the variant as benign or pathogenic. Thus, the clinical significance of this variant is currently uncertain.